The following is an entry in ClinVar:

ClinVar aggregate classification (germline): Pathogenic (1 of 4 stars; one submission).

Conditions:
GNPTAB-mucolipidosis. Also called: UDP-N-acetylglucosamine-1-phosphotransferase subunit alpha/beta deficiency. Identifiers: MedGen CN322573, MONDO:0100122.

Submission:

Myriad Genetics, Inc.
Classification: Pathogenic for GNPTAB-mucolipidosis. Last evaluated: 2024-04-09. Review status: criteria provided, single submitter. Criteria: Myriad Autosomal Dominant, Autosomal Recessive and X-Linked Classification Criteria (2023). Collection method: clinical testing. Allele origin: unknown.
Comment: NM_024312.4(GNPTAB):c.2942C>A(S981*) is expected to be pathogenic in the context of GNPTAB-related disorders. This variant is predicted to lead to an abnormal or absent protein product due to the creation of a premature termination codon in GNPTAB, a gene where loss-of-function variants are known to be pathogenic. Please note: this variant was assessed in the context of healthy population screening.

NM_024312.5(GNPTAB):c.2942C>A (p.Ser981Ter)

Gene: GNPTAB (N-acetylglucosamine-1-phosphate transferase subunits alpha and beta; minus strand). Cytogenetic location: 12q23.2.
Variant type: single nucleotide variant.
Coding change: c.2942C>A on transcript NM_024312.5 (MANE Select); coding-DNA position 2942, C replaced by A.
Protein change: p.Ser981Ter; replaces serine 981 with a stop codon.
Molecular consequence: nonsense.
Genome position (GRCh38, 1-based): chr12:101,761,320, G>T on the plus strand (C>A on the coding strand, the complement: GNPTAB is on the minus strand). VCF-style: chr12-101761320-G-T. GRCh37 (hg19) VCF-style: chr12-102155098-G-T.
Other names: short protein forms S981*.
Identifiers: ClinVar variation 5012910 (VCV005012910.1).
Genomic context (GRCh38, chr12:101,761,320, plus strand): 5'-AGATAATAAAAATAAGAGAAGGCAAACTGCATATCCTCAGAATGGCGCACTTTGTGAAAT[G>T]ACGTCTTGTCAAATTCTTCAGGGAACCTGTCCAAATATAACATATTACAAACTCTGGATA-3'